The following is an entry in ClinVar:

ClinVar aggregate classification (germline): Uncertain significance. Review status: criteria provided, multiple submitters, no conflicts (2 of 4 stars). 3 submissions from 3 submitters: Uncertain significance (3). Last evaluated 2025-11-10.

Conditions:
BBS7-related disorder. Also called: BBS7-related condition.
Bardet-Biedl syndrome (BBS). Identifiers: Orphanet 110, MedGen C0752166, MONDO:0015229.

Allele frequency attached by ClinVar (database versions not stated): gnomAD 0.00002; TOPMed 0.00004; ExAC 0.00007; gnomAD exomes 0.00007; ESP Exome Variant Server 0.00015.
gnomAD v4.1: 110 of 1,612,910 alleles (0.0068%); highest among the groups gnomAD compares: Non-Finnish European, 0.0088%; no homozygotes.

Submissions (3):

Labcorp Genetics (formerly Invitae), Labcorp
Classification: Uncertain significance for Bardet-Biedl syndrome. Last evaluated: 2025-11-10. Review status: criteria provided, single submitter. Criteria: Invitae Variant Classification Sherloc (09022015). Collection method: clinical testing. Allele origin: germline.
Comment: This sequence change disrupts the translational stop signal of the BBS7 mRNA. It is expected to extend the length of the BBS7 protein by 15 additional amino acid residues. This variant is present in population databases (rs200470633, gnomAD 0.01%). This variant has not been reported in the literature in individuals affected with BBS7-related conditions. ClinVar contains an entry for this variant (Variation ID: 1059695). Experimental studies and prediction algorithms are not available or were not evaluated, and the functional significance of this variant is currently unknown. In summary, the available evidence is currently insufficient to determine the role of this variant in disease. Therefore, it has been classified as a Variant of Uncertain Significance.

PreventionGenetics, part of Exact Sciences
Classification: Uncertain significance for BBS7-related condition. Last evaluated: 2025-07-21. Review status: criteria provided, single submitter. Criteria: ACMG Guidelines, 2015. Collection method: clinical testing. Allele origin: germline.
Comment: The BBS7 c.2146T>C variant is predicted to result in extension of the open reading frame (p.*716Argext*15). To our knowledge, this variant has not been reported in the literature. This variant is reported in 0.013% of alleles in individuals of European (non-Finnish) descent in gnomAD. At this time, the clinical significance of this variant is uncertain due to the absence of conclusive functional and genetic evidence.

Blueprint Genetics
Classification: Uncertain significance. Last evaluated: 2023-12-21. Review status: criteria provided, single submitter. Criteria: ACMG Guidelines, 2015. Collection method: clinical testing. Allele origin: germline.

NM_176824.3(BBS7):c.2146T>C (p.Ter716Arg)

Gene: BBS7 (Bardet-Biedl syndrome 7; minus strand). Cytogenetic location: 4q27.
Variant type: single nucleotide variant.
Coding change: c.2146T>C on transcript NM_176824.3 (MANE Select); coding-DNA position 2146, T replaced by C.
Protein change: p.Ter716Arg.
Molecular consequence: stop lost.
Genome position (GRCh38, 1-based): chr4:121,825,862, A>G on the plus strand (T>C on the coding strand, the complement: BBS7 is on the minus strand). VCF-style: chr4-121825862-A-G. GRCh37 (hg19) VCF-style: chr4-122747017-A-G.
Other names: c.2146T>C (NM_176824.2).
Identifiers: ClinVar variation 1059695 (VCV001059695.7), dbSNP rs200470633, ClinGen allele CA3064047.